The following is an entry in ClinVar:

ClinVar aggregate classification (germline): Uncertain significance (1 of 4 stars; one submission).

Submission:

GeneDx
Classification: Uncertain significance. Last evaluated: 2024-07-03. Review status: criteria provided, single submitter. Criteria: GeneDx Variant Classification Process June 2021. Collection method: clinical testing. Allele origin: germline. Affected: yes.
Comment: Not observed at significant frequency in large population cohorts (gnomAD); In silico analysis supports that this missense variant has a deleterious effect on protein structure/function; Has not been previously published as pathogenic or benign to our knowledge

NM_000271.5(NPC1):c.715A>G (p.Ser239Gly)

Gene: NPC1 (NPC intracellular cholesterol transporter 1; minus strand). Cytogenetic location: 18q11.2.
Variant type: single nucleotide variant.
Coding change: c.715A>G on transcript NM_000271.5 (MANE Select); coding-DNA position 715, A replaced by G.
Protein change: p.Ser239Gly; replaces serine 239 with glycine.
Molecular consequence: missense variant.
Genome position (GRCh38, 1-based): chr18:23,560,397, T>C on the plus strand (A>G on the coding strand, the complement: NPC1 is on the minus strand). VCF-style: chr18-23560397-T-C. GRCh37 (hg19) VCF-style: chr18-21140361-T-C.
Other names: short protein forms S239G.
Identifiers: ClinVar variation 3393777 (VCV003393777.1).